The following is an entry in ClinVar:

ClinVar aggregate classification (germline): Likely benign (1 of 4 stars; one submission).

Submission:

CeGaT Center for Human Genetics Tuebingen
Classification: Likely benign. Last evaluated: 2025-08-01. Review status: criteria provided, single submitter. Criteria: CeGaT Center For Human Genetics Tuebingen Variant Classification Criteria Version 2. Collection method: clinical testing. Allele origin: germline. Affected: yes. Observed: 1 variant allele.
Comment: TBCD: BP4, BP7

NM_005993.5(TBCD):c.1649+2201G>A

Gene: TBCD (tubulin folding cofactor D). Cytogenetic location: 17q25.3.
Variant type: single nucleotide variant.
Coding change: c.1649+2201G>A on transcript NM_005993.5 (MANE Select); 2201 bases into the intron after coding-DNA position 1649, G replaced by A.
Molecular consequence: intron variant.
Genome position (GRCh38, 1-based): chr17:82,895,833, G>A. VCF-style: chr17-82895833-G-A. GRCh37 (hg19) VCF-style: chr17-80853709-G-A.
Other names: c.1649+2201G>A (NM_001411102.1, NM_001437989.1); c.1598+2201G>A (NM_001411101.1); c.1460+2201G>A (NM_001438250.1).
Identifiers: ClinVar variation 4084995 (VCV004084995.8).